The following is an entry in ClinVar:

NM_003660.4(PPFIA3):c.1897G>A (p.Glu633Lys)

Gene: PPFIA3 (PPFI scaffold protein A3; plus strand). Cytogenetic location: 19q13.33.
Variant type: single nucleotide variant.
Coding change: c.1897G>A on transcript NM_003660.4 (MANE Select); coding-DNA position 1897, G replaced by A.
Protein change: p.Glu633Lys; replaces glutamic acid 633 with lysine.
Molecular consequence: missense variant.
Genome position (GRCh38, 1-based): chr19:49,138,248, G>A. VCF-style: chr19-49138248-G-A. GRCh37 (hg19) VCF-style: chr19-49641505-G-A.
Other names: short protein forms E633K.
Identifiers: ClinVar variation 4862433 (VCV004862433.2).

ClinVar aggregate classification (germline): Uncertain significance. Review status: criteria provided, multiple submitters, no conflicts (2 of 4 stars). 2 submissions from 2 submitters: Uncertain significance (2). Last evaluated 2026-08-06.

Conditions:
PAUL-CHAO NEURODEVELOPMENTAL SYNDROME (NEDPACH). Also called: INTELLECTUAL DEVELOPMENTAL DISORDER WITH IMPAIRED SPEECH, DYSMORPHIC FACIES, AND BEHAVIORAL ABNORMALITIES. Identifiers: MedGen C6012758, OMIM 621122.
Inborn genetic diseases. Identifiers: MedGen C0950123, MeSH D030342.

Submissions (2):

OLLIN Analises Genomicas, OLLIN
Classification: Uncertain significance for PAUL-CHAO NEURODEVELOPMENTAL SYNDROME. Last evaluated: 2026-08-06. Review status: criteria provided, single submitter. Criteria: ACMG Guidelines 2015 PMID 25741868. Collection method: clinical testing. Allele origin: germline.
Comment: This missense variant, located in exon 16 (of 30), has been observed in gnomAD with an allele frequency of 0.00062%, but has not been reported in ClinVar or identified in the literature. In silico analysis is inconclusive regarding the impact of this variant. This gene is constrained for missense variation. According to the currently available evidence, this variant has been classified as uncertain significance (BS2, PP2).

Ambry Genetics
Classification: Uncertain significance for Inborn genetic diseases. Last evaluated: 2026-03-31. Review status: criteria provided, single submitter. Criteria: Ambry Variant Classification Scheme 2023. Collection method: clinical testing. Allele origin: germline.